The following is an entry in ClinVar:

NM_002392.6(MDM2):c.309G>A (p.Arg103=)

Gene: MDM2 (MDM2 proto-oncogene; plus strand). Cytogenetic location: 12q15.
Variant type: single nucleotide variant.
Coding change: c.309G>A on transcript NM_002392.6 (MANE Select); coding-DNA position 309, G replaced by A.
Protein change: p.Arg103=; no amino-acid change (arginine 103 retained).
Molecular consequence: synonymous variant. On other transcripts: intron variant (2).
Genome position (GRCh38, 1-based): chr12:68,820,325, G>A. VCF-style: chr12-68820325-G-A. GRCh37 (hg19) VCF-style: chr12-69214105-G-A.
Other names: c.291G>A, p.Arg97= (NM_001145337.3, NM_001367990.1); c.309G>A, p.Arg103= (NM_001145339.2); c.156+6697G>A (NM_001278462.2, NM_001145340.3).
Identifiers: ClinVar variation 971609 (VCV000971609.9), dbSNP rs766553126, ClinGen allele CA6678635.

ClinVar aggregate classification (germline): Uncertain significance (1 of 4 stars; one submission).

Conditions:
Accelerated tumor formation, susceptibility to (ACTFS). Identifiers: MedGen C3280690, OMIM 614401, MONDO:0013733.

Allele frequency attached by ClinVar (database versions not stated): gnomAD 0.00001 and 0.00002; TOPMed 0.00001; ExAC 0.00002; gnomAD exomes 0.00002 and 0.00005.
gnomAD v4.1: 72 of 1,587,952 alleles (0.0045%); highest among the groups gnomAD compares: Non-Finnish European, 0.0059%; no homozygotes.

Submission:

Labcorp Genetics (formerly Invitae), Labcorp
Classification: Uncertain significance for Accelerated tumor formation, susceptibility to. Last evaluated: 2019-10-23. Review status: criteria provided, single submitter. Criteria: Invitae Variant Classification Sherloc (09022015). Collection method: clinical testing. Allele origin: germline.
Comment: This sequence change affects codon 103 of the MDM2 mRNA. It is a 'silent' change, meaning that it does not change the encoded amino acid sequence of the MDM2 protein. This variant is present in population databases (rs766553126, ExAC 0.005%). This variant has not been reported in the literature in individuals with MDM2-related conditions. Algorithms developed to predict the effect of sequence changes on RNA splicing suggest that this variant may disrupt the consensus splice site, but this prediction has not been confirmed by published transcriptional studies. In summary, the available evidence is currently insufficient to determine the role of this variant in disease. Therefore, it has been classified as a Variant of Uncertain Significance.